The following is an entry in ClinVar:

ClinVar aggregate classification (germline): Conflicting classifications of pathogenicity. Review status: criteria provided, conflicting classifications (1 of 4 stars). 4 submissions from 4 submitters: Uncertain significance (3); Likely benign (1). Last evaluated 2023-09-10.

Conditions:
Intellectual disability, CASK-related, X-linked. Identifiers: MedGen CN043158.
Inborn genetic diseases. Identifiers: MedGen C0950123, MeSH D030342.

Allele frequency attached by ClinVar (database versions not stated): gnomAD exomes below 0.00001 and 0.00001.
gnomAD v4.1: 1 of 1,204,333 alleles (0.000083%); highest among the groups gnomAD compares: Admixed American, 0.0022%; no homozygotes.

Submissions (4):

Labcorp Genetics (formerly Invitae), Labcorp
Classification: Uncertain significance for Intellectual disability, CASK-related, X-linked. Last evaluated: 2023-09-10. Review status: criteria provided, single submitter. Criteria: Invitae Variant Classification Sherloc (09022015). Collection method: clinical testing. Allele origin: germline.
Comment: In summary, the available evidence is currently insufficient to determine the role of this variant in disease. Therefore, it has been classified as a Variant of Uncertain Significance. Advanced modeling of protein sequence and biophysical properties (such as structural, functional, and spatial information, amino acid conservation, physicochemical variation, residue mobility, and thermodynamic stability) has been performed at Invitae for this missense variant, however the output from this modeling did not meet the statistical confidence thresholds required to predict the impact of this variant on CASK protein function. ClinVar contains an entry for this variant (Variation ID: 281721). This variant has not been reported in the literature in individuals affected with CASK-related conditions. This variant is present in population databases (no rsID available, gnomAD 0.004%), including at least one homozygous and/or hemizygous individual. This sequence change replaces threonine, which is neutral and polar, with alanine, which is neutral and non-polar, at codon 464 of the CASK protein (p.Thr464Ala).

GeneDx
Classification: Likely benign. Last evaluated: 2021-09-30. Review status: criteria provided, single submitter. Criteria: GeneDx Variant Classification Process June 2021. Collection method: clinical testing. Allele origin: germline. Affected: yes.
Comment: In silico analysis, which includes protein predictors and evolutionary conservation, supports that this variant does not alter protein structure/function; Has not been previously published as pathogenic or benign to our knowledge

Ambry Genetics
Classification: Uncertain significance for Inborn genetic diseases. Last evaluated: 2017-01-10. Review status: criteria provided, single submitter. Criteria: Ambry Variant Classification Scheme 2023. Collection method: clinical testing. Allele origin: germline.
Comment: The p.T464A variant (also known as c.1390A>G), located in coding exon 15 of the CASK gene, results from an A to G substitution at nucleotide position 1390. The threonine at codon 464 is replaced by alanine, an amino acid with similar properties. This amino acid position is highly conserved in available vertebrate species. In addition, this alteration is predicted to be tolerated by in silico analysis. Since supporting evidence is limited at this time, the clinical significance of this alteration remains unclear.

Eurofins Ntd Llc (ga)
Classification: Uncertain significance. Last evaluated: 2015-07-14. Review status: criteria provided, single submitter. Criteria: EGL Classification Definitions 2015. Collection method: clinical testing. Allele origin: germline. Observed: 1 variant allele, 1 heterozygote.

NM_001367721.1(CASK):c.1390A>G (p.Thr464Ala)

Gene: CASK (calcium/calmodulin dependent serine protein kinase; minus strand). Cytogenetic location: Xp11.4.
Variant type: single nucleotide variant.
Coding change: c.1390A>G on transcript NM_001367721.1 (MANE Select); coding-DNA position 1390, A replaced by G.
Protein change: p.Thr464Ala; replaces threonine 464 with alanine.
Molecular consequence: missense variant.
Genome position (GRCh38, 1-based): chrX:41,578,453, T>C on the plus strand (A>G on the coding strand, the complement: CASK is on the minus strand). VCF-style: chrX-41578453-T-C. GRCh37 (hg19) VCF-style: chrX-41437706-T-C.
Other names: c.1390A>G, p.Thr464Ala (NM_001126054.3, NM_003688.4); c.1372A>G, p.Thr458Ala (NM_001126055.3, NM_001410745.1); short protein forms T464A, T458A.
Identifiers: ClinVar variation 281721 (VCV000281721.24), dbSNP rs886042221, ClinGen allele CA10603954.